The following is an entry in ClinVar:

NM_020921.4(NIN):c.3934G>A (p.Asp1312Asn)

Gene: NIN (ninein; minus strand). Cytogenetic location: 14q22.1.
Variant type: single nucleotide variant.
Coding change: c.3934G>A on transcript NM_020921.4 (MANE Select); coding-DNA position 3934, G replaced by A.
Protein change: p.Asp1312Asn; replaces aspartic acid 1312 with asparagine.
Molecular consequence: missense variant. On other transcripts: intron variant (1).
Genome position (GRCh38, 1-based): chr14:50,757,096, C>T on the plus strand (G>A on the coding strand, the complement: NIN is on the minus strand). VCF-style: chr14-50757096-C-T. GRCh37 (hg19) VCF-style: chr14-51223814-C-T.
Other names: c.3934G>A, p.Asp1312Asn (NM_182944.3, NM_182946.2); c.2400-2229G>A (NM_016350.5); short protein forms D1312N.
Identifiers: ClinVar variation 2055156 (VCV002055156.4), dbSNP rs374953535, ClinGen allele CA7181653.

ClinVar aggregate classification (germline): Uncertain significance (1 of 4 stars; one submission).

Allele frequency attached by ClinVar (database versions not stated): gnomAD exomes 0.00003; gnomAD 0.00003.
gnomAD v4.1: 43 of 1,613,126 alleles (0.0027%); highest among the groups gnomAD compares: Middle Eastern, 0.016%; no homozygotes.

Submission:

Labcorp Genetics (formerly Invitae), Labcorp
Classification: Uncertain significance. Last evaluated: 2022-06-02. Review status: criteria provided, single submitter. Criteria: Invitae Variant Classification Sherloc (09022015). Collection method: clinical testing. Allele origin: germline.
Comment: Algorithms developed to predict the effect of missense changes on protein structure and function output the following: SIFT: "Deleterious"; PolyPhen-2: "Benign"; Align-GVGD: "Class C0". The asparagine amino acid residue is found in multiple mammalian species, which suggests that this missense change does not adversely affect protein function. This variant has not been reported in the literature in individuals affected with NIN-related conditions. This variant is present in population databases (rs374953535, gnomAD 0.01%). This sequence change replaces aspartic acid, which is acidic and polar, with asparagine, which is neutral and polar, at codon 1312 of the NIN protein (p.Asp1312Asn). In summary, the available evidence is currently insufficient to determine the role of this variant in disease. Therefore, it has been classified as a Variant of Uncertain Significance.